The following is an entry in ClinVar:

NM_002691.4(POLD1):c.2000G>A (p.Arg667Gln)

Gene: POLD1 (DNA polymerase delta 1, catalytic subunit; plus strand). Cytogenetic location: 19q13.33.
Variant type: single nucleotide variant.
Coding change: c.2000G>A on transcript NM_002691.4 (MANE Select); coding-DNA position 2000, G replaced by A.
Protein change: p.Arg667Gln; replaces arginine 667 with glutamine.
Molecular consequence: missense variant. On other transcripts: non-coding transcript variant (1).
Genome position (GRCh38, 1-based): chr19:50,409,229, G>A. VCF-style: chr19-50409229-G-A. GRCh37 (hg19) VCF-style: chr19-50912486-G-A.
Other names: c.2000G>A (NM_002691.3); c.2000G>A, p.Arg667Gln (NM_001256849.1); c.2078G>A, p.Arg693Gln (NM_001308632.1); short protein forms R667Q, R693Q.
Identifiers: ClinVar variation 2124158 (VCV002124158.6), dbSNP rs2514015984, ClinGen allele CA406982406.
Genomic context (GRCh38, chr19:50,409,229, plus strand): 5'-TGAAGACCTCAGTGCGGAAGGGGCTGCTGCCCCAGATCCTGGAGAACCTGCTCAGTGCCC[G>A]GAAGAGGTGAGCCCTGGAGATCGCCTGCTTGGAGCTCAGACCTGTTGGGGCCTCTGGGCA-3'
Protein context (NP_002682.2, residues 657-677): PQILENLLSA[Arg667Gln]KRAKAELAKE

ClinVar aggregate classification (germline): Uncertain significance. Review status: criteria provided, multiple submitters, no conflicts (2 of 4 stars). 2 submissions from 2 submitters: Uncertain significance (2). Last evaluated 2025-11-17.

Conditions:
POLD1-related polyposis and colorectal cancer syndrome (CRCS10). Also called: Colorectal cancer 10; COLORECTAL CANCER, SUSCEPTIBILITY TO, ON CHROMOSOME 19q; Colorectal cancer, susceptibility to, 10. Identifiers: Orphanet 220460, MedGen C2675481, MONDO:0012953, OMIM 612591.

Submissions (2):

Labcorp Genetics (formerly Invitae), Labcorp
Classification: Uncertain significance for POLD1-related polyposis and colorectal cancer syndrome. Last evaluated: 2025-11-17. Review status: criteria provided, single submitter. Criteria: Invitae Variant Classification Sherloc (09022015). Collection method: clinical testing. Allele origin: germline.
Comment: This sequence change replaces arginine, which is basic and polar, with glutamine, which is neutral and polar, at codon 667 of the POLD1 protein (p.Arg667Gln). This variant is not present in population databases (gnomAD no frequency). This variant has not been reported in the literature in individuals affected with POLD1-related conditions. ClinVar contains an entry for this variant (Variation ID: 2124158). Invitae Evidence Modeling of protein sequence and biophysical properties (such as structural, functional, and spatial information, amino acid conservation, physicochemical variation, residue mobility, and thermodynamic stability) indicates that this missense variant is expected to disrupt POLD1 protein function with a positive predictive value of 80%. In summary, the available evidence is currently insufficient to determine the role of this variant in disease. Therefore, it has been classified as a Variant of Uncertain Significance.

GeneDx
Classification: Uncertain significance. Last evaluated: 2024-02-12. Review status: criteria provided, single submitter. Criteria: GeneDx Variant Classification Process June 2021. Collection method: clinical testing. Allele origin: germline.
Comment: Not observed at significant frequency in large population cohorts (gnomAD); In silico analysis supports that this missense variant has a deleterious effect on protein structure/function; Has not been previously published as pathogenic or benign to our knowledge; This variant is associated with the following publications: (PMID: 20951805)